The following is an entry in ClinVar:

NM_001042492.3(NF1):c.1400C>A (p.Thr467Lys)

Gene: NF1 (neurofibromin 1; plus strand). Cytogenetic location: 17q11.2.
Variant type: single nucleotide variant.
Coding change: c.1400C>A on transcript NM_001042492.3 (MANE Select); coding-DNA position 1400, C replaced by A.
Protein change: p.Thr467Lys; replaces threonine 467 with lysine.
Molecular consequence: missense variant.
Genome position (GRCh38, 1-based): chr17:31,214,458, C>A. VCF-style: chr17-31214458-C-A. GRCh37 (hg19) VCF-style: chr17-29541476-C-A.
Other names: c.1400C>A, p.Thr467Lys (NM_000267.4, NM_001128147.3); short protein forms T467K.
Identifiers: ClinVar variation 632925 (VCV000632925.1), dbSNP rs1567841729, ClinGen allele CA399001423.
Genomic context (GRCh38, chr17:31,214,458, plus strand): 5'-TAGCTATTATCCTGAGTCTTATGTCTGATACCATGTTTTTGTTTTGTTTTTAGAGTCTTA[C>A]ATTTAAAGAAAAAGTAACAAGCCTTAAATTTAAAGAAAAACCTACAGACCTGGAGACAAG-3'
Protein context (NP_001035957.1, residues 457-477): HPAIRMAPSL[Thr467Lys]FKEKVTSLKF

ClinVar aggregate classification (germline): Uncertain significance (1 of 4 stars; one submission).

Submission:

Women's Health and Genetics/Laboratory Corporation of America, LabCorp
Classification: Uncertain significance. Last evaluated: 2018-01-02. Review status: criteria provided, single submitter. Criteria: LabCorp Variant Classification Summary - May 2015. Collection method: clinical testing. Allele origin: germline.
Comment: Variant summary: The NF1 c.1400C>A (p.Thr467Lys) variant involves the alteration of a conserved nucleotide. 3/5 in silico tools predict a damaging outcome for this variant. This variant is absent in 243620 control chromosomes. The variant of interest has not, to our knowledge, been reported in affected individuals via publications and/or reputable databases/clinical diagnostic laboratories; nor evaluated for functional impact by in vivo/vitro studies. Because of the absence of clinical information and the lack of functional studies, the variant is classified as a variant of uncertain significance (VUS) until additional information becomes available.